The following is an entry in ClinVar:

NM_000077.5(CDKN2A):c.46C>T (p.Leu16=)

Gene: CDKN2A (cyclin dependent kinase inhibitor 2A; minus strand). Cytogenetic location: 9p21.3.
Variant type: single nucleotide variant.
Coding change: c.46C>T on transcript NM_000077.5; coding-DNA position 46, C replaced by T.
Protein change: p.Leu16=; no amino-acid change (leucine 16 retained).
Molecular consequence: synonymous variant (on NM_000077.6). On other transcripts: intron variant (2).
Genome position (GRCh38, 1-based): chr9:21,974,782, G>A on the plus strand (C>T on the coding strand, the complement: CDKN2A is on the minus strand). VCF-style: chr9-21974782-G-A. GRCh37 (hg19) VCF-style: chr9-21974781-G-A.
Other names: c.46C>T, p.Leu16= (NM_000077.6, NM_001195132.2, NM_058197.5); c.-3-3574C>T (NM_001363763.2); c.194-3574C>T (NM_058195.4).
Identifiers: ClinVar variation 4294116 (VCV004294116.1).

ClinVar aggregate classification (germline): Benign (1 of 4 stars; one submission).

Conditions:
Melanoma-pancreatic cancer syndrome. Identifiers: Orphanet 404560, MedGen C1838547, MONDO:0011713, OMIM 606719. Disease mechanism: loss of function.

Submission:

Myriad Genetics, Inc.
Classification: Benign for Melanoma-pancreatic cancer syndrome. Last evaluated: 2025-08-13. Review status: criteria provided, single submitter. Criteria: Myriad Autosomal Dominant, Autosomal Recessive and X-Linked Classification Criteria (2023). Collection method: clinical testing. Allele origin: unknown.
Comment: This variant is considered benign. This variant is a silent/synonymous amino acid change and it is not expected to impact splicing.